The following is an entry in ClinVar:

ClinVar aggregate classification (germline): Pathogenic. Review status: criteria provided, multiple submitters, no conflicts (2 of 4 stars). 2 submissions from 2 submitters: Pathogenic (2). Last evaluated 2024-07-01.

Submissions (2):

CeGaT Center for Human Genetics Tuebingen
Classification: Pathogenic. Last evaluated: 2024-07-01. Review status: criteria provided, single submitter. Criteria: CeGaT Center For Human Genetics Tuebingen Variant Classification Criteria Version 2. Collection method: clinical testing. Allele origin: germline. Affected: yes. Observed: 1 variant allele.
Comment: SCN1A: PVS1, PM2

GeneDx
Classification: Pathogenic. Last evaluated: 2016-08-10. Review status: criteria provided, single submitter. Criteria: GeneDx Variant Classification (06012015). Collection method: clinical testing. Allele origin: germline. Affected: yes.
Comment: The c.323dupT pathogenic variant in the SCN1A gene causes a frameshift starting with Tyrosine 109, changes this amino acid to a Valine residue and creates a premature Stop codon at position 10 of the new reading frame, denoted p.Tyr109ValfsX10. This pathogenic variant is predicted to cause loss of normal protein function either through protein truncation or nonsense-mediated mRNA decay.

NM_001165963.4(SCN1A):c.323dup (p.Tyr109fs)

Gene: SCN1A (sodium voltage-gated channel alpha subunit 1; minus strand). Cytogenetic location: 2q24.3.
Variant type: Duplication.
Coding change: c.323dup on transcript NM_001165963.4 (MANE Select); coding-DNA position 323, one base duplicated (T; older notation c.323dupT).
Protein change: p.Tyr109fs; shifts the reading frame from tyrosine 109.
Molecular consequence: frameshift variant. On other transcripts: 5 prime UTR variant (1), non-coding transcript variant (1).
Genome position (GRCh38, 1-based): chr2:166,058,630, A duplicated on the plus strand (T on the coding strand, the reverse complement: SCN1A is on the minus strand). VCF-style (leftmost placement, unchanged base first): chr2-166058629-C-CA. GRCh37 (hg19) VCF-style: chr2-166915139-C-CA.
Other names: c.323dup, p.Tyr109fs (NM_001165964.3, NM_001202435.3, NM_001353948.2 and 10 more transcripts); c.-2103dup (NM_001353961.2); short protein forms Y109fs.
Identifiers: ClinVar variation 280781 (VCV000280781.19), dbSNP rs886041926, ClinGen allele CA10602821.
Genomic context (GRCh38, chr2:166,058,629, plus strand): 5'-TGAATGTACCAAAATCTTAATAGCTATTTTCCTAAGAGGATTGAAGGGAGTTAAAATGTA[C>CA]AGGGCAGAGGTGGCACTGAACCGGAAGATGGCCTTCCCTTTATTCAATACTATAAAAGTC-3'